The following is an entry in ClinVar:

NM_001354604.2(MITF):c.*9C>T

Gene: MITF (melanocyte inducing transcription factor; plus strand). Cytogenetic location: 3p13.
Variant type: single nucleotide variant.
Coding change: c.*9C>T on transcript NM_001354604.2 (MANE Select); 9 bases downstream of the stop codon, C replaced by T.
Molecular consequence: 3 prime UTR variant.
Genome position (GRCh38, 1-based): chr3:69,965,257, C>T. VCF-style: chr3-69965257-C-T. GRCh37 (hg19) VCF-style: chr3-70014408-C-T.
Other names: c.*9C>T (NM_000248.4, NM_001184967.2, NM_001354605.2 and 8 more transcripts).
Identifiers: ClinVar variation 3765904 (VCV003765904.1).

ClinVar aggregate classification (germline): Uncertain significance (1 of 4 stars; one submission).

gnomAD v4.1: 1 of 1,612,352 alleles (0.000062%); highest among the groups gnomAD compares: Non-Finnish European, 0.000085%; no homozygotes.

Submission:

GeneDx
Classification: Uncertain significance. Last evaluated: 2024-08-28. Review status: criteria provided, single submitter. Criteria: GeneDx Variant Classification Process June 2021. Collection method: clinical testing. Allele origin: germline. Affected: yes.
Comment: Nucleotide is not conserved across species and the substitution has no predicted effect on splicing; Has not been previously published as pathogenic or benign to our knowledge